The following is an entry in ClinVar:

NM_020461.4(TUBGCP6):c.4981G>A (p.Val1661Met)

Gene: TUBGCP6 (tubulin gamma complex component 6; minus strand). Cytogenetic location: 22q13.33.
Variant type: single nucleotide variant.
Coding change: c.4981G>A on transcript NM_020461.4 (MANE Select); coding-DNA position 4981, G replaced by A.
Protein change: p.Val1661Met; replaces valine 1661 with methionine.
Molecular consequence: missense variant.
Genome position (GRCh38, 1-based): chr22:50,218,376, C>T on the plus strand (G>A on the coding strand, the complement: TUBGCP6 is on the minus strand). VCF-style: chr22-50218376-C-T. GRCh37 (hg19) VCF-style: chr22-50656805-C-T.
Other names: short protein forms V1661M.
Identifiers: ClinVar variation 2502676 (VCV002502676.1), dbSNP rs1275465951, ClinGen allele CA412164887.

ClinVar aggregate classification (germline): Uncertain significance (1 of 4 stars; one submission).

Allele frequency attached by ClinVar (database versions not stated): TOPMed below 0.00001; gnomAD 0.00001.
gnomAD v4.1: 2 of 1,612,974 alleles (0.00012%); highest among the groups gnomAD compares: African/African-American, 0.0027%; no homozygotes.

Submission:

GeneDx
Classification: Uncertain significance. Last evaluated: 2022-11-16. Review status: criteria provided, single submitter. Criteria: GeneDx Variant Classification Process June 2021. Collection method: clinical testing. Allele origin: germline. Affected: yes.
Comment: Not observed at significant frequency in large population cohorts (gnomAD); In silico analysis supports that this missense variant does not alter protein structure/function; Has not been previously published as pathogenic or benign to our knowledge